The following is an entry in ClinVar:

NM_002661.5(PLCG2):c.149G>T (p.Arg50Leu)

Gene: PLCG2 (phospholipase C gamma 2; plus strand). Cytogenetic location: 16q23.3.
Variant type: single nucleotide variant.
Coding change: c.149G>T on transcript NM_002661.5 (MANE Select); coding-DNA position 149, G replaced by T.
Protein change: p.Arg50Leu; replaces arginine 50 with leucine.
Molecular consequence: missense variant.
Genome position (GRCh38, 1-based): chr16:81,786,138, G>T. VCF-style: chr16-81786138-G-T. GRCh37 (hg19) VCF-style: chr16-81819743-G-T.
Other names: c.149G>T, p.Arg50Leu (NM_001425751.1, NM_001425749.1, NM_001425750.1); short protein forms R50L.
Identifiers: ClinVar variation 3626733 (VCV003626733.2).

ClinVar aggregate classification (germline): Uncertain significance (1 of 4 stars; one submission).

Conditions:
Familial cold autoinflammatory syndrome 3 (FCAS3). Also called: FAMILIAL ATYPICAL COLD URTICARIA; ANTIBODY DEFICIENCY AND IMMUNE DYSREGULATION, PLCG2-ASSOCIATED. Identifiers: Orphanet 300359, MedGen C3280914, MONDO:0013766, OMIM 614468.

gnomAD v4.1: 2 of 1,614,146 alleles (0.00012%); highest among the groups gnomAD compares: Non-Finnish European, 0.00017%; no homozygotes.

Submission:

Labcorp Genetics (formerly Invitae), Labcorp
Classification: Uncertain significance for Familial cold autoinflammatory syndrome 3. Last evaluated: 2025-06-17. Review status: criteria provided, single submitter. Criteria: Invitae Variant Classification Sherloc (09022015). Collection method: clinical testing. Allele origin: germline.
Comment: This sequence change replaces arginine, which is basic and polar, with leucine, which is neutral and non-polar, at codon 50 of the PLCG2 protein (p.Arg50Leu). This variant is not present in population databases (gnomAD no frequency). This variant has not been reported in the literature in individuals affected with PLCG2-related conditions. ClinVar contains an entry for this variant (Variation ID: 3626733). An algorithm developed to predict the effect of missense changes on protein structure and function (PolyPhen-2) suggests that this variant is likely to be tolerated. In summary, the available evidence is currently insufficient to determine the role of this variant in disease. Therefore, it has been classified as a Variant of Uncertain Significance.